The following is an entry in ClinVar:

ClinVar aggregate classification (germline): Uncertain significance (1 of 4 stars; one submission).

Allele frequency attached by ClinVar (database versions not stated): TOPMed below 0.00001.
gnomAD v4.1: 2 of 1,613,900 alleles (0.00012%); highest among the groups gnomAD compares: Non-Finnish European, 0.00017%; no homozygotes.

Submission:

Labcorp Genetics (formerly Invitae), Labcorp
Classification: Uncertain significance. Last evaluated: 2024-01-07. Review status: criteria provided, single submitter. Criteria: Invitae Variant Classification Sherloc (09022015). Collection method: clinical testing. Allele origin: germline.
Comment: This sequence change replaces methionine, which is neutral and non-polar, with valine, which is neutral and non-polar, at codon 694 of the LEMD3 protein (p.Met694Val). This variant is present in population databases (no rsID available, gnomAD 0.0009%). This variant has not been reported in the literature in individuals affected with LEMD3-related conditions. Advanced modeling of protein sequence and biophysical properties (such as structural, functional, and spatial information, amino acid conservation, physicochemical variation, residue mobility, and thermodynamic stability) performed at Invitae indicates that this missense variant is not expected to disrupt LEMD3 protein function with a negative predictive value of 80%. In summary, the available evidence is currently insufficient to determine the role of this variant in disease. Therefore, it has been classified as a Variant of Uncertain Significance.

NM_014319.5(LEMD3):c.2080A>G (p.Met694Val)

Gene: LEMD3 (LEM domain containing 3; plus strand). Cytogenetic location: 12q14.3.
Variant type: single nucleotide variant.
Coding change: c.2080A>G on transcript NM_014319.5 (MANE Select); coding-DNA position 2080, A replaced by G.
Protein change: p.Met694Val; replaces methionine 694 with valine.
Molecular consequence: missense variant.
Genome position (GRCh38, 1-based): chr12:65,240,192, A>G. VCF-style: chr12-65240192-A-G. GRCh37 (hg19) VCF-style: chr12-65633972-A-G.
Other names: c.2077A>G, p.Met693Val (NM_001167614.2); short protein forms M693V, M694V.
Identifiers: ClinVar variation 2788036 (VCV002788036.3), dbSNP rs1368706464, ClinGen allele CA385672364.